The following is an entry in ClinVar:

NM_000077.5(CDKN2A):c.342C>T (p.Pro114=)

Gene: CDKN2A (cyclin dependent kinase inhibitor 2A; minus strand). Cytogenetic location: 9p21.3.
Variant type: single nucleotide variant.
Coding change: c.342C>T on transcript NM_000077.5; coding-DNA position 342, C replaced by T.
Protein change: p.Pro114=; no amino-acid change (proline 114 retained).
Molecular consequence: synonymous variant (on NM_000077.6). On other transcripts: missense variant (1), 3 prime UTR variant (1).
Genome position (GRCh38, 1-based): chr9:21,971,017, G>A on the plus strand (C>T on the coding strand, the complement: CDKN2A is on the minus strand). VCF-style: chr9-21971017-G-A. GRCh37 (hg19) VCF-style: chr9-21971016-G-A.
Other names: c.342C>T, p.Pro114= (NM_000077.6, NM_001195132.2); c.189C>T, p.Pro63= (NM_001363763.2); c.385C>T, p.Arg129Cys (NM_058195.4); c.*265C>T (NM_058197.5); short protein forms R129C.
Identifiers: ClinVar variation 4868641 (VCV004868641.1).

ClinVar aggregate classification (germline): Uncertain significance (1 of 4 stars; one submission).

Conditions:
Hereditary cancer-predisposing syndrome. Also called: Neoplastic Syndromes, Hereditary; Tumor predisposition; Hereditary neoplastic syndrome; Hereditary Cancer Syndrome. Identifiers: Orphanet 140162, MedGen C0027672, MeSH D009386, MONDO:0015356.

gnomAD v4.1: 3 of 1,607,770 alleles (0.00019%); highest among the groups gnomAD compares: South Asian, 0.0022%; no homozygotes.

Submission:

Ambry Genetics
Classification: Uncertain significance for Hereditary cancer-predisposing syndrome. Last evaluated: 2026-06-02. Review status: criteria provided, single submitter. Criteria: Ambry Variant Classification Scheme 2023. Collection method: clinical testing. Allele origin: germline.
Comment: The c.342C>T variant (also known as p.P114P), located in coding exon 2 of the CDKN2A gene, results from a C to T substitution at nucleotide position 342. This nucleotide substitution does not change the amino acid at codon 114 of the p16 isoform. Of note, this variant is also known as p.R129C (c.385C>T)in the p14(ARF) isoform and results from an arginine to cysteine substitution at amino acid position 129. The evidence supporting a relationship between p14(ARF) and melanoma-pancreatic cancer syndrome is limited; therefore, the association of this variant with this gene-disease relationship is unknown. However, the association of this variant in the p16 isoform with melanoma-pancreatic cancer syndrome is unlikely.